The following is an entry in ClinVar:

NM_006015.6(ARID1A):c.1640G>C (p.Ser547Thr)

Gene: ARID1A (AT-rich interaction domain 1A; plus strand). Cytogenetic location: 1p36.11.
Variant type: single nucleotide variant.
Coding change: c.1640G>C on transcript NM_006015.6 (MANE Select); coding-DNA position 1640, G replaced by C.
Protein change: p.Ser547Thr; replaces serine 547 with threonine.
Molecular consequence: missense variant.
Genome position (GRCh38, 1-based): chr1:26,731,441, G>C. VCF-style: chr1-26731441-G-C. GRCh37 (hg19) VCF-style: chr1-27057932-G-C.
Other names: c.1640G>C, p.Ser547Thr (NM_139135.4); short protein forms S547T.
Identifiers: ClinVar variation 3061349 (VCV003061349.2), dbSNP rs2124789487, ClinGen allele CA339268515.

ClinVar aggregate classification (germline): Uncertain significance (0 of 4 stars; one submission).

Conditions:
ARID1A-related disorder. Also called: ARID1A-related condition.

gnomAD v4.1: 1 of 1,613,574 alleles (0.000062%); highest among the groups gnomAD compares: Non-Finnish European, 0.000085%; no homozygotes.

Submission:

PreventionGenetics, part of Exact Sciences
Classification: Uncertain significance for ARID1A-related condition. Last evaluated: 2024-02-12. Review status: no assertion criteria provided. Collection method: clinical testing. Allele origin: germline.
Comment: The ARID1A c.1640G>C variant is predicted to result in the amino acid substitution p.Ser547Thr. To our knowledge, this variant has not been reported in the literature or in a large population database, indicating this variant is rare. At this time, the clinical significance of this variant is uncertain due to the absence of conclusive functional and genetic evidence.